The following is an entry in ClinVar:

ClinVar aggregate classification (germline): Likely benign (1 of 4 stars; one submission).

Conditions:
INPP5E-related disorder. Also called: INPP5E-related condition.

Submission:

PreventionGenetics, part of Exact Sciences
Classification: Likely benign for INPP5E-related condition. Last evaluated: 2026-05-18. Review status: criteria provided, single submitter. Criteria: ACMG Guidelines, 2015. Collection method: clinical testing. Allele origin: germline.
Comment: This variant is classified as likely benign based on ACMG/AMP sequence variant interpretation guidelines (Richards et al. 2015 PMID: 25741868, with internal and published modifications).

NM_019892.6(INPP5E):c.435G>T (p.Gly145=)

Gene: INPP5E (inositol polyphosphate-5-phosphatase E; minus strand). Cytogenetic location: 9q34.3.
Variant type: single nucleotide variant.
Coding change: c.435G>T on transcript NM_019892.6 (MANE Select); coding-DNA position 435, G replaced by T.
Protein change: p.Gly145=; no amino-acid change (glycine 145 retained).
Molecular consequence: synonymous variant.
Genome position (GRCh38, 1-based): chr9:136,438,985, C>A on the plus strand (G>T on the coding strand, the complement: INPP5E is on the minus strand). VCF-style: chr9-136438985-C-A. GRCh37 (hg19) VCF-style: chr9-139333437-C-A.
Other names: c.435G>T, p.Gly145= (NM_001318502.2).
Identifiers: ClinVar variation 4995583 (VCV004995583.1).
Genomic context (GRCh38, chr9:136,438,985, plus strand): 5'-GGCCACCCCAGAGAGAGGGTTACCCCCCGAGGACGGGCTCCCTCTCTCACTGCTCAGGAC[C>A]CCGCGGGACTTGGGGATTTCCTGCAAGGAGGTGCTCAGGCAGGGCGGGGAGCAGCTGTGG-3'
Protein context (NP_063945.2, residues 135-155): TSLQEIPKSR[Gly145=]VLSSERGSPS